The following is an entry in ClinVar:

ClinVar aggregate classification (germline): Pathogenic/Likely pathogenic. Review status: criteria provided, multiple submitters, no conflicts (2 of 4 stars). 3 submissions from 3 submitters: Pathogenic (1); Likely pathogenic (1). 1 of the submissions does not count toward it. Last evaluated 2022-12-19.

Conditions:
Global developmental delay with or without impaired intellectual development. Identifiers: MedGen C5193032, MONDO:0032680, OMIM 618330.

Submissions (3):

Institute of Human Genetics, University of Leipzig Medical Center
Classification: Likely pathogenic for Global developmental delay with or without impaired intellectual development. Last evaluated: 2022-12-19. Review status: criteria provided, single submitter. Criteria: ACMG Guidelines, 2015. Collection method: clinical testing. Allele origin: maternal. Affected: yes.
Comment: Criteria applied: PVS1, PM2_Supporting

Laboratory of Molecular Genetics (Pr. Bezieau's lab), CHU de Nantes
Classification: Pathogenic. Last evaluated: 2018-01-22. Review status: criteria provided, single submitter. Criteria: ACMG Guidelines, 2015. Collection method: clinical testing. Allele origin: germline. Affected: yes.

OMIM
Classification: Pathogenic for NEURODEVELOPMENTAL DISORDER WITH DEVELOPMENTAL DELAY AND MOTOR AND SPEECH DELAY. Last evaluated: 2025-04-09. Review status: no assertion criteria provided. Collection method: literature only. Allele origin: germline. Not counted in ClinVar's aggregate classification.

Literature cited by the submitters: PubMed 30014507 (cited by OMIM).

NM_181552.4(CUX1):c.3164dup (p.Ala1056fs)

Gene: CUX1 (cut like homeobox 1; plus strand). Cytogenetic location: 7q22.1.
Variant type: Duplication.
Coding change: c.3164dup on transcript NM_181552.4 (MANE Select); coding-DNA position 3164, one base duplicated (C; older notation c.3164dupC).
Protein change: p.Ala1056fs; shifts the reading frame from alanine 1056.
Molecular consequence: frameshift variant. On other transcripts: intron variant (5).
Genome position (GRCh38, 1-based): chr7:102,227,400, C duplicated; the last of 3 consecutive C bases (chr7:102,227,398-102,227,400); duplicating any one gives the same sequence. VCF-style (leftmost placement, unchanged base first): chr7-102227397-G-GC. GRCh37 (hg19) VCF-style: chr7-101870677-G-GC.
Other names: c.3197dup, p.Ala1067fs (NM_001202543.2); c.1255+31797dup (NM_001913.5); c.1249+31797dup (NM_181500.4); c.1117+31797dup (NM_001202545.3); c.1207+31797dup (NM_001202544.3); c.1138+31797dup (NM_001202546.3); c.3197dupC (NM_001202543.1); short protein forms A1067fs, A1056fs.
Identifiers: ClinVar variation 618992 (VCV000618992.6), dbSNP rs1563446668, ClinGen allele CA913189809.
Genomic context (GRCh38, chr7:102,227,397, plus strand): 5'-GGCACGGTTTCTCGTGTGCTTTAATTACAGAAAGCACTCCAAAGACCTCCGCCAGCTGCA[G>GC]CCCTGCCCCTGAGTCCCCGATGAGTTCCAGTGAGTCGGTGAAGAGCCTGACCGAGCTGGT-3'